The following is an entry in ClinVar:

NM_001164508.2(NEB):c.1424T>C (p.Ile475Thr)

Gene: NEB (nebulin; minus strand). Cytogenetic location: 2q23.3.
Variant type: single nucleotide variant.
Coding change: c.1424T>C on transcript NM_001164508.2 (MANE Select); coding-DNA position 1424, T replaced by C.
Protein change: p.Ile475Thr; replaces isoleucine 475 with threonine.
Molecular consequence: missense variant.
Genome position (GRCh38, 1-based): chr2:151,697,194, A>G on the plus strand (T>C on the coding strand, the complement: NEB is on the minus strand). VCF-style: chr2-151697194-A-G. GRCh37 (hg19) VCF-style: chr2-152553708-A-G.
Other names: c.1424T>C, p.Ile475Thr (NM_001164507.2, NM_001271208.2, NM_004543.5); short protein forms I475T.
Identifiers: ClinVar variation 3188898 (VCV003188898.2), dbSNP rs746112355, ClinGen allele CA1911567.
Genomic context (GRCh38, chr2:151,697,194, plus strand): 5'-GACTACAGACTTACGTCTTTACACTGATCTAGTTTCTTAATTGCTTCATATTCTTGAGTT[A>G]TGGTCTGAGGGAAGAAGCCTTTGCCTCTGTCTTCTTCGTATTCTGCTTTGTAGTTTTTCT-3'
Protein context (NP_001157980.2, residues 465-485): DRGKGFFPQT[Ile475Thr]TQEYEAIKKL

ClinVar aggregate classification (germline): Uncertain significance (1 of 4 stars; one submission).

Conditions:
Inborn genetic diseases. Identifiers: MedGen C0950123, MeSH D030342.

Allele frequency attached by ClinVar (database versions not stated): ExAC 0.00001; TOPMed 0.00002; gnomAD 0.00002; gnomAD exomes 0.00001.
gnomAD v4.1: 7 of 1,613,604 alleles (0.00043%); highest among the groups gnomAD compares: Non-Finnish European, 0.00059%; no homozygotes.

Submission:

Ambry Genetics
Classification: Uncertain significance for Inborn genetic diseases. Last evaluated: 2026-06-03. Review status: criteria provided, single submitter. Criteria: Ambry Variant Classification Scheme 2023. Collection method: clinical testing. Allele origin: germline.
Comment: The c.1424T>C (p.I475T) alteration is located in exon 16 (coding exon 14) of the NEB gene. This alteration results from a T to C substitution at nucleotide position 1424, causing the isoleucine (I) at amino acid position 475 to be replaced by a threonine (T). Based on data from gnomAD, the C allele has an overall frequency of <0.001% (1/248798) total alleles studied. The highest observed frequency was 0.001% (1/112724) of European (non-Finnish) alleles. Based on insufficient or conflicting evidence, the clinical significance of this alteration remains unclear.